The following is an entry in ClinVar:

NM_014727.3(KMT2B):c.5540C>G (p.Pro1847Arg)

Gene: KMT2B (lysine methyltransferase 2B; plus strand). Cytogenetic location: 19q13.12.
Variant type: single nucleotide variant.
Coding change: c.5540C>G on transcript NM_014727.3 (MANE Select); coding-DNA position 5540, C replaced by G.
Protein change: p.Pro1847Arg; replaces proline 1847 with arginine.
Molecular consequence: missense variant.
Genome position (GRCh38, 1-based): chr19:35,732,010, C>G. VCF-style: chr19-35732010-C-G. GRCh37 (hg19) VCF-style: chr19-36222911-C-G.
Other names: short protein forms P1847R.
Identifiers: ClinVar variation 1719861 (VCV001719861.5), dbSNP rs1969715926, ClinGen allele CA405422222.

ClinVar aggregate classification (germline): Uncertain significance (1 of 4 stars; one submission).

Submission:

Labcorp Genetics (formerly Invitae), Labcorp
Classification: Uncertain significance. Last evaluated: 2022-10-06. Review status: criteria provided, single submitter. Criteria: Invitae Variant Classification Sherloc (09022015). Collection method: clinical testing. Allele origin: germline.
Comment: In summary, the available evidence is currently insufficient to determine the role of this variant in disease. Therefore, it has been classified as a Variant of Uncertain Significance. Advanced modeling of protein sequence and biophysical properties (such as structural, functional, and spatial information, amino acid conservation, physicochemical variation, residue mobility, and thermodynamic stability) has been performed at Invitae for this missense variant, however the output from this modeling did not meet the statistical confidence thresholds required to predict the impact of this variant on KMT2B protein function. This variant has not been reported in the literature in individuals affected with KMT2B-related conditions. This variant is not present in population databases (gnomAD no frequency). This sequence change replaces proline, which is neutral and non-polar, with arginine, which is basic and polar, at codon 1847 of the KMT2B protein (p.Pro1847Arg).